The following is an entry in ClinVar:

NM_145725.3(TRAF3):c.1098C>T (p.Ser366=)

Gene: TRAF3 (TNF receptor associated factor 3; plus strand). Cytogenetic location: 14q32.32.
Variant type: single nucleotide variant.
Coding change: c.1098C>T on transcript NM_145725.3 (MANE Select); coding-DNA position 1098, C replaced by T.
Protein change: p.Ser366=; no amino-acid change (serine 366 retained).
Molecular consequence: synonymous variant.
Genome position (GRCh38, 1-based): chr14:102,903,392, C>T. VCF-style: chr14-102903392-C-T. GRCh37 (hg19) VCF-style: chr14-103369729-C-T.
Other names: c.849C>T, p.Ser283= (NM_001199427.2); c.957C>T, p.Ser319= (NM_001385142.1); c.1017C>T, p.Ser339= (NM_001385143.1); c.1098C>T, p.Ser366= (NM_003300.4); c.1023C>T, p.Ser341= (NM_145726.3).
Identifiers: ClinVar variation 1570476 (VCV001570476.9), dbSNP rs772951409, ClinGen allele CA7359502.

ClinVar aggregate classification (germline): Likely benign. Review status: criteria provided, multiple submitters, no conflicts (2 of 4 stars). 2 submissions from 2 submitters: Likely benign (2). Last evaluated 2026-08-01.

Conditions:
Immunodeficiency 132A. Also called: Herpes simplex encephalitis, susceptibility to, 3. Identifiers: Orphanet 1930, MedGen C3553868, MONDO:0013920, OMIM 614849.

Allele frequency attached by ClinVar (database versions not stated): gnomAD exomes 0.00006 and 0.00002; gnomAD 0.00001; ExAC 0.00005; TOPMed 0.00003.
gnomAD v4.1: 29 of 1,613,934 alleles (0.0018%); highest among the groups gnomAD compares: Admixed American, 0.02%; 1 homozygote.

Submissions (2):

CeGaT Center for Human Genetics Tuebingen
Classification: Likely benign. Last evaluated: 2026-08-01. Review status: criteria provided, single submitter. Criteria: CeGaT Center For Human Genetics Tuebingen Variant Classification Criteria Version 2. Collection method: clinical testing. Allele origin: germline. Affected: yes. Observed: 1 variant allele.
Comment: TRAF3: BP4, BP7

Labcorp Genetics (formerly Invitae), Labcorp
Classification: Likely benign for Immunodeficiency 132A. Last evaluated: 2026-01-05. Review status: criteria provided, single submitter. Criteria: Invitae Variant Classification Sherloc (09022015). Collection method: clinical testing. Allele origin: germline.